The following is an entry in ClinVar:

ClinVar aggregate classification (germline): Uncertain significance (1 of 4 stars; one submission).

gnomAD v4.1: 1 of 1,212,003 alleles (0.000083%); highest among the groups gnomAD compares: Non-Finnish European, 0.00011%; no homozygotes.

Submission:

Dasa
Classification: Uncertain significance. Last evaluated: 2026-05-19. Review status: criteria provided, single submitter. Criteria: DASA Assertion Criteria. Collection method: clinical testing. Allele origin: germline.
Comment: NM_001399.5(EDA):c.835A>G (p.Met279Val) is a missense variant that results in the substitution of methionine with valine. The affected residue or protein region has prior evidence supporting clinical relevance. This variant is rare in population databases. The currently available literature and clinical evidence are not sufficient to establish a definitive association between this variant and the reported condition. Therefore, this variant is classified as a variant of uncertain significance.

NM_001399.5(EDA):c.835A>G (p.Met279Val)

Gene: EDA (ectodysplasin A; plus strand). Cytogenetic location: Xq13.1.
Variant type: single nucleotide variant.
Coding change: c.835A>G on transcript NM_001399.5 (MANE Select); coding-DNA position 835, A replaced by G.
Protein change: p.Met279Val; replaces methionine 279 with valine.
Molecular consequence: missense variant.
Genome position (GRCh38, 1-based): chrX:70,033,439, A>G. VCF-style: chrX-70033439-A-G. GRCh37 (hg19) VCF-style: chrX-69253289-A-G.
Other names: c.835A>G, p.Met279Val (NM_001005609.2, NM_001440762.1); c.826A>G, p.Met276Val (NM_001005612.3, NM_001440761.1); short protein forms M276V, M279V.
Identifiers: ClinVar variation 5020535 (VCV005020535.1).
Genomic context (GRCh38, chrX:70,033,439, plus strand): 5'-GCCCTTCTCTCATACTGAGATCTTTCAGGTGGAGTGCTCAATGACTGGTCTCGCATCACT[A>G]TGAACCCCAAGGTGTTTAAGCTACATCCCCGCAGCGGGGAGCTGGAGGTACTGGTGGACG-3'
Protein context (NP_001390.1, residues 269-289): GVLNDWSRIT[Met279Val]NPKVFKLHPR